The following is an entry in ClinVar:

ClinVar aggregate classification (germline): Benign. Review status: criteria provided, multiple submitters, no conflicts (2 of 4 stars). 4 submissions from 4 submitters: Benign (2). 2 of the submissions do not count toward it. Last evaluated 2026-02-02.

Submissions (4):

Labcorp Genetics (formerly Invitae), Labcorp
Classification: Benign. Last evaluated: 2026-02-02. Review status: criteria provided, single submitter. Criteria: Invitae Variant Classification Sherloc (09022015). Collection method: clinical testing. Allele origin: germline.

Laboratory for Molecular Medicine, Mass General Brigham Personalized Medicine
Classification: Benign. Last evaluated: 2016-03-29. Review status: criteria provided, single submitter. Criteria: LMM Criteria. Collection method: clinical testing. Allele origin: germline.
Comment: Variant identified in a genome or exome case(s) and assessed due to predicted null impact of the variant or pathogenic assertions in the literature or databases. Disclaimer: This variant has not undergone full assessment. The following are preliminary notes: Frequency in ESP (all): 2019/2056=98.2%

Diagnostic Laboratory, Department of Genetics, University Medical Center Groningen
Classification: Benign. Review status: no assertion criteria provided. Collection method: clinical testing. Allele origin: germline. Affected: yes. Study: VKGL Data-share Consensus. Not counted in ClinVar's aggregate classification.

Genome Diagnostics Laboratory, Amsterdam University Medical Center
Classification: Likely benign. Review status: no assertion criteria provided. Collection method: clinical testing. Allele origin: germline. Affected: yes. Study: VKGL Data-share Consensus. Not counted in ClinVar's aggregate classification.

NM_182895.5(SCARF2):c.2292dup (p.Glu765fs)

Gene: SCARF2 (scavenger receptor class F member 2; minus strand). Cytogenetic location: 22q11.21.
Variant type: Duplication.
Coding change: c.2292dup on transcript NM_182895.5 (MANE Select); coding-DNA position 2292, one base duplicated (C; older notation c.2292dupC).
Protein change: p.Glu765fs; shifts the reading frame from glutamic acid 765.
Molecular consequence: frameshift variant.
Genome position (GRCh38, 1-based): chr22:20,425,684, G duplicated on the plus strand (C on the coding strand, the reverse complement: SCARF2 is on the minus strand); the first of 3 consecutive G bases (chr22:20,425,684-20,425,686); duplicating any one gives the same sequence. VCF-style (leftmost placement, unchanged base first): chr22-20425683-C-CG. GRCh37 (hg19) VCF-style: chr22-20779973-C-CGG.
Other names: p.Glu769ArgfsX9; c.2307dup, p.Glu770fs (NM_153334.7); short protein forms E765fs, E770fs.
Identifiers: ClinVar variation 403683 (VCV000403683.15), dbSNP rs5844418, ClinGen allele CA16609827.